The following is an entry in ClinVar:

ClinVar aggregate classification (germline): Uncertain significance (1 of 4 stars; one submission).

Conditions:
Ehlers-Danlos syndrome, classic type, 1 (EDSCL1). Also called: EDS I; EHLERS-DANLOS SYNDROME, GRAVIS TYPE; EHLERS-DANLOS SYNDROME, SEVERE CLASSIC TYPE; Ehlers-Danlos syndrome, type 1; Ehlers-Danlos Syndrome, Classic Type, COL5A1-Related. Identifiers: MedGen C0268335, MONDO:0019567, OMIM 130000.

Submission:

Labcorp Genetics (formerly Invitae), Labcorp
Classification: Uncertain significance for Ehlers-Danlos syndrome, classic type, 1. Last evaluated: 2022-09-01. Review status: criteria provided, single submitter. Criteria: Invitae Variant Classification Sherloc (09022015). Collection method: clinical testing. Allele origin: germline.
Comment: In summary, the available evidence is currently insufficient to determine the role of this variant in disease. Therefore, it has been classified as a Variant of Uncertain Significance. Variants that disrupt the consensus splice site are a relatively common cause of aberrant splicing (PMID: 17576681, 9536098). Algorithms developed to predict the effect of sequence changes on RNA splicing suggest that this variant may disrupt the consensus splice site. This variant has not been reported in the literature in individuals affected with COL5A2-related conditions. This variant is not present in population databases (gnomAD no frequency). This sequence change falls in intron 42 of the COL5A2 gene. It does not directly change the encoded amino acid sequence of the COL5A2 protein. It affects a nucleotide within the consensus splice site.

Literature cited by the submitters: PubMed 17576681; PubMed 9536098.

NM_000393.5(COL5A2):c.2931+5G>T

Gene: COL5A2 (collagen type V alpha 2 chain; minus strand). Cytogenetic location: 2q32.2.
Variant type: single nucleotide variant.
Coding change: c.2931+5G>T on transcript NM_000393.5 (MANE Select); 5 bases into the intron after coding-DNA position 2931, G replaced by T.
Molecular consequence: intron variant.
Genome position (GRCh38, 1-based): chr2:189,051,315, C>A on the plus strand (G>T on the coding strand, the complement: COL5A2 is on the minus strand). VCF-style: chr2-189051315-C-A. GRCh37 (hg19) VCF-style: chr2-189916041-C-A.
Identifiers: ClinVar variation 2414608 (VCV002414608.9), dbSNP rs2105558579, ClinGen allele CA2580065292.
Genomic context (GRCh38, chr2:189,051,315, plus strand): 5'-ATTATGGGTTTCTATTTGTAAATATCTCAGTTGAAGGTGGTCTGGAACGGATACGCCAAA[C>A]TTACAGGTTGCCCATCTTCTCCTGGGTCCCCTTTGTCTCCTGGGCCACCAGGGGGGCCAG-3'